The following is an entry in ClinVar:

NM_152564.5(VPS13B):c.1643G>A (p.Ser548Asn)

Gene: VPS13B (vacuolar protein sorting 13 homolog B; plus strand). Cytogenetic location: 8q22.2.
Variant type: single nucleotide variant.
Coding change: c.1643G>A on transcript NM_152564.5 (MANE Select); coding-DNA position 1643, G replaced by A.
Protein change: p.Ser548Asn; replaces serine 548 with asparagine.
Molecular consequence: missense variant.
Genome position (GRCh38, 1-based): chr8:99,136,744, G>A. VCF-style: chr8-99136744-G-A. GRCh37 (hg19) VCF-style: chr8-100148972-G-A.
Other names: c.1643G>A, p.Ser548Asn (NM_015243.3, NM_017890.5); short protein forms S548N.
Identifiers: ClinVar variation 3689176 (VCV003689176.2).

ClinVar aggregate classification (germline): Uncertain significance (1 of 4 stars; one submission).

Conditions:
Cohen syndrome (COH1). Also called: Cutis verticis gyrata, retinitis pigmentosa, and sensorineural deafness; PEPPER SYNDROME. Identifiers: Orphanet 193, MedGen C0265223, MONDO:0008999, OMIM 216550.

gnomAD v4.1: 1 of 1,613,478 alleles (0.000062%); highest among the groups gnomAD compares: South Asian, 0.0011%; no homozygotes.

Submission:

Labcorp Genetics (formerly Invitae), Labcorp
Classification: Uncertain significance for Cohen syndrome. Last evaluated: 2024-11-30. Review status: criteria provided, single submitter. Criteria: Invitae Variant Classification Sherloc (09022015). Collection method: clinical testing. Allele origin: germline.
Comment: This sequence change replaces serine, which is neutral and polar, with asparagine, which is neutral and polar, at codon 548 of the VPS13B protein (p.Ser548Asn). This variant is not present in population databases (gnomAD no frequency). This variant has not been reported in the literature in individuals affected with VPS13B-related conditions. Invitae Evidence Modeling of protein sequence and biophysical properties (such as structural, functional, and spatial information, amino acid conservation, physicochemical variation, residue mobility, and thermodynamic stability) indicates that this missense variant is not expected to disrupt VPS13B protein function with a negative predictive value of 80%. In summary, the available evidence is currently insufficient to determine the role of this variant in disease. Therefore, it has been classified as a Variant of Uncertain Significance.